The following is an entry in ClinVar:

NM_139276.3(STAT3):c.1145G>A (p.Arg382Gln)

Gene: STAT3 (signal transducer and activator of transcription 3; minus strand). Cytogenetic location: 17q21.2.
Variant type: single nucleotide variant.
Coding change: c.1145G>A on transcript NM_139276.3 (MANE Select); coding-DNA position 1145, G replaced by A.
Protein change: p.Arg382Gln; replaces arginine 382 with glutamine.
Molecular consequence: missense variant.
Genome position (GRCh38, 1-based): chr17:42,329,642, C>T on the plus strand (G>A on the coding strand, the complement: STAT3 is on the minus strand). VCF-style: chr17-42329642-C-T. GRCh37 (hg19) VCF-style: chr17-40481660-C-T.
Other names: c.1145G>A, p.Arg382Gln (NM_001369512.1, NM_001369513.1, NM_001369514.1 and 12 more transcripts); c.1067G>A, p.Arg356Gln (NM_001384985.1); c.1160G>A, p.Arg387Gln (NM_001384986.1, NM_001384990.1); c.1049G>A, p.Arg350Gln (NM_001384989.1); c.1085G>A, p.Arg362Gln (NM_001384992.1); short protein forms R382Q, R350Q, R356Q, R362Q, R387Q.
Identifiers: ClinVar variation 18305 (VCV000018305.55), dbSNP rs113994136, ClinGen allele CA341506.
Genomic context (GRCh38, chr17:42,329,642, plus strand): 5'-CCGTTGTTGGATTCTTCCATGTTCATCACTTTTGTGTTTGTGCCCAGAATGTTAAATTTC[C>T]GGGATCTGAATCACAGGGGAACAATCAACTATGTAGGTGACCAAGTAGCCGGAGGATGAA-3'
Protein context (NP_644805.1, residues 372-392): SGDVAALRGS[Arg382Gln]KFNILGTNTK

ClinVar aggregate classification (germline): Pathogenic. Review status: criteria provided, multiple submitters, no conflicts (2 of 4 stars). 11 submissions from 11 submitters: Pathogenic (9). 2 of the submissions do not count toward it. Last evaluated 2025-10-27.

Conditions:
Hyper-IgE recurrent infection syndrome 1, autosomal dominant. Also called: HYPER-IgE SYNDROME 1, AUTOSOMAL DOMINANT, WITH RECURRENT INFECTIONS; STAT3 Hyper IgE Syndrome; JOB SYNDROME; Job's Syndrome; Hyper-IgE recurrent infection syndrome 1. Identifiers: Orphanet 2314, MedGen C2936739, MONDO:0007818, OMIM 147060.
STAT3 gain of function. Identifiers: MedGen C4288261.
STAT3-related disorder. Also called: STAT3-related condition.
Inherited Immunodeficiency Diseases. Identifiers: MedGen C5197805, MeSH D000081207.

Submissions (11):

Labcorp Genetics (formerly Invitae), Labcorp
Classification: Pathogenic for STAT3 gain of function; Hyper-IgE recurrent infection syndrome 1, autosomal dominant. Last evaluated: 2025-10-27. Review status: criteria provided, single submitter. Criteria: Invitae Variant Classification Sherloc (09022015). Collection method: clinical testing. Allele origin: germline.
Comment: This sequence change replaces arginine, which is basic and polar, with glutamine, which is neutral and polar, at codon 382 of the STAT3 protein (p.Arg382Gln). This variant is not present in population databases (gnomAD no frequency). This missense change has been observed in individual(s) with hyper-IgE syndrome (PMID: 17676033, 17881745, 20301786, 24452316, 27302695). In at least one individual the variant was observed to be de novo. It has also been observed to segregate with disease in related individuals. ClinVar contains an entry for this variant (Variation ID: 18305). Invitae Evidence Modeling of protein sequence and biophysical properties (such as structural, functional, and spatial information, amino acid conservation, physicochemical variation, residue mobility, and thermodynamic stability) indicates that this missense variant is expected to disrupt STAT3 protein function with a positive predictive value of 80%. Experimental studies have shown that this missense change affects STAT3 function (PMID: 17676033, 26384563). This variant disrupts the p.Arg382 amino acid residue in STAT3. Other variant(s) that disrupt this residue have been determined to be pathogenic (PMID: 17676033, 17881745, 17942886, 22581330). This suggests that this residue is clinically significant, and that variants that disrupt this residue are likely to be disease-causing. For these reasons, this variant has been classified as Pathogenic.

3billion
Classification: Pathogenic for Hyper-IgE recurrent infection syndrome 1, autosomal dominant. Last evaluated: 2023-11-12. Review status: criteria provided, single submitter. Criteria: ACMG Guidelines, 2015. Collection method: clinical testing. Allele origin: germline. Affected: yes.
Comment: The variant is not observed in the gnomAD v2.1.1 dataset. Predicted Consequence/Location: Missense changes are a common disease-causing mechanism. Functional studies provide moderate evidence of the variant having a damaging effect on the gene or gene product (PMID: 17676033). In silico tool predictions suggest damaging effect of the variant on gene or gene product [REVEL: 0.79 (>=0.6, sensitivity 0.68 and specificity 0.92); 3Cnet: 0.93 (>=0.6, sensitivity 0.72 and precision 0.9)]. Same nucleotide change resulting in same amino acid change has been previously reported as pathogenic/likely pathogenic with strong evidence (ClinVar ID: VCV000018305 /PMID: 17676033). The variant has been observed in at least two similarly affected unrelated individuals (PMID: 17676033, 17881745). The variant has been previously reported as assumed (i.e. paternity and maternity not confirmed) de novo in at least one similarly affected unrelated individual (PMID: 17881745). Different missense changes at the same codon (p.Arg382Gly, p.Arg382Leu, p.Arg382Pro, p.Arg382Trp) have been reported as pathogenic/likely pathogenic with strong evidence (ClinVar ID: VCV000018304, VCV000018307, VCV002099076 /PMID: 17676033, 17881745, 20093388, 32944025 /3billion dataset). Therefore, this variant is classified as Pathogenic according to the recommendation of ACMG/AMP guideline.

Women's Health and Genetics/Laboratory Corporation of America, LabCorp
Classification: Pathogenic for Hyper-IgE recurrent infection syndrome 1, autosomal dominant. Last evaluated: 2023-10-09. Review status: criteria provided, single submitter. Criteria: LabCorp Variant Classification Summary - May 2015. Collection method: clinical testing. Allele origin: germline.
Comment: Variant summary: STAT3 c.1145G>A (p.Arg382Gln) results in a conservative amino acid change located in the STAT transcription factor, DNA-binding (IPR013801) of the encoded protein sequence. Four of five in-silico tools predict a damaging effect of the variant on protein function. The variant was absent in 251470 control chromosomes. c.1145G>A has been reported in the literature in multiple individuals affected with Hyper IgE Syndrome (e.g. Holland 2007). It has been observed as de novo and also seen to segregate with disease. These data indicate that the variant is very likely to be associated with disease. Additionally, other variants affected the same codon have been associated with Hyper-IgE syndrome in HGMD and ClinVar (e.g. R382G, R382P and R382W). At least one publication reports experimental evidence evaluating an impact on protein function by severely reducing the DNA binding ability of the homodimer (He_2012). The following publications have been ascertained in the context of this evaluation (PMID: 17881745, 20159255, 22581330).Five submitters have cited clinical-significance assessments for this variant to ClinVar after 2014. All submitters classified the variant as pathogenic. Based on the evidence outlined above, the variant was classified as pathogenic.

Blueprint Genetics
Classification: Pathogenic for STAT3-related disorders. Last evaluated: 2022-10-31. Review status: criteria provided, single submitter. Criteria: ACMG Guidelines, 2015. Collection method: clinical testing. Allele origin: germline. Affected: yes. Observed: 3 variant alleles.

CeGaT Center for Human Genetics Tuebingen
Classification: Pathogenic. Last evaluated: 2022-05-01. Review status: criteria provided, single submitter. Criteria: CeGaT Center For Human Genetics Tuebingen Variant Classification Criteria Version 2. Collection method: clinical testing. Allele origin: germline. Affected: yes. Observed: 2 variant alleles.
Comment: STAT3: PM1, PM2, PS3:Moderate, PS4:Moderate, PP2, PP3, PP4

GeneDx
Classification: Pathogenic. Last evaluated: 2021-11-15. Review status: criteria provided, single submitter. Criteria: GeneDx Variant Classification Process June 2021. Collection method: clinical testing. Allele origin: germline. Affected: yes.
Comment: Published functional studies demonstrate markedly enhanced STAT3 AGG-element binding, increased AGG-promoter activation activity, impaired Th17 response, and reduced IgG levels resulting in increased susceptibility to recurrent infections (Minegishi et al., 2007; Xu et al., 2015; Moffitt et al., 2018); Not observed at significant frequency in large population cohorts (gnomAD); In silico analysis supports that this missense variant has a deleterious effect on protein structure/function; This variant is associated with the following publications: (PMID: 18591410, 27474157, 29368105, 29402895, 20859667, 21288777, 21792878, 22500887, 22581330, 23830147, 20093388, 26384563, 25686613, 26280891, 17676033, 24452316, 17881745, 27302695, 28197791, 30410549, 31596517, 32912316, 32499645, 32581362, 33225392, 32888943, 33717144, 18602572, 29463618)

Institute of Human Genetics, University of Leipzig Medical Center
Classification: Pathogenic for Hyper-IgE recurrent infection syndrome 1, autosomal dominant. Last evaluated: 2020-10-19. Review status: criteria provided, single submitter. Criteria: ACMG Guidelines, 2015. Collection method: clinical testing. Allele origin: unknown. Affected: yes.

NIHR Bioresource Rare Diseases, University of Cambridge
Classification: Pathogenic for Inherited Immunodeficiency Diseases. Last evaluated: 2019-01-01. Review status: criteria provided, single submitter. Criteria: ACMG Guidelines, 2015. Collection method: research. Allele origin: germline. Affected: yes. Observed: 1 heterozygote.

Neuberg Centre For Genomic Medicine, NCGM
Classification: Pathogenic for Hyper-IgE recurrent infection syndrome 1, autosomal dominant. Review status: criteria provided, single submitter. Criteria: ACMG Guidelines, 2015. Collection method: clinical testing. Allele origin: germline. Inheritance: Autosomal dominant inheritance. Affected: yes.
Comment: This variant has been observed to be de novo in individuals affected with hyper-IgE syndrome (Holland SM, 2007). It also segregates with hyper-IgE syndrome in a family and has been identified in several individuals affected with hyper-IgE syndrome (Minegishi Y, 2007) and an individual with selective IgG subclass deficiency (Ohnishi H, 2016). This variant has been reported to affect STAT3 protein function (Minegishi Y, 2007). This sequence change replaces arginine with glutamine at codon 382 of the STAT3 protein (p.Arg382Gln). Other variant(s) that disrupt p.Arg382 residue have been determined to be pathogenic (Renner ED, 2007). The variant has been reported to the ClinVar database as Pathogenic. The p.Arg382Gln variant is novel (not in any individuals) in gnomAD Exomes and 1000 Genomes. The variant is predicted to be damaging by both SIFT and PolyPhen2. The amino acid change p.Arg382Gln in STAT3 is predicted as conserved by GERP++ and PhyloP across 100 vertebratesFor these reasons, this variant has been classified as Pathogenic.

OMIM
Classification: Pathogenic for HYPER-IgE SYNDROME 1, AUTOSOMAL DOMINANT, WITH RECURRENT INFECTIONS. Last evaluated: 2007-10-18. Review status: no assertion criteria provided. Collection method: literature only. Allele origin: germline. Not counted in ClinVar's aggregate classification.

GeneReviews
No classification provided. Condition: Hyper-IgE recurrent infection syndrome 1, autosomal dominant. Review status: no classification provided. Collection method: literature only. Allele origin: germline. Not counted in ClinVar's aggregate classification.

Literature cited by the submitters: PubMed 17676033 (cited by 4 submitters); PubMed 17881745 (cited by 5 submitters); PubMed 20301786 (cited by Labcorp Genetics (formerly Invitae), Labcorp and GeneReviews); PubMed 24452316 (cited by Labcorp Genetics (formerly Invitae), Labcorp); PubMed 27302695 (cited by Labcorp Genetics (formerly Invitae), Labcorp); PubMed 26384563 (cited by Labcorp Genetics (formerly Invitae), Labcorp); PubMed 17942886 (cited by Labcorp Genetics (formerly Invitae), Labcorp); PubMed 22581330 (cited by Labcorp Genetics (formerly Invitae), Labcorp and Women's Health and Genetics/Laboratory Corporation of America, LabCorp); PubMed 18706697 (cited by Women's Health and Genetics/Laboratory Corporation of America, LabCorp); PubMed 18591410 (cited by Women's Health and Genetics/Laboratory Corporation of America, LabCorp); PubMed 18978467 (cited by Women's Health and Genetics/Laboratory Corporation of America, LabCorp); PubMed 18602572 (cited by Women's Health and Genetics/Laboratory Corporation of America, LabCorp); PubMed 18591412 (cited by Women's Health and Genetics/Laboratory Corporation of America, LabCorp); PubMed 20159255 (cited by Women's Health and Genetics/Laboratory Corporation of America, LabCorp); PubMed 21288777 (cited by Women's Health and Genetics/Laboratory Corporation of America, LabCorp).